The following is an entry in ClinVar:

ClinVar aggregate classification (germline): Uncertain significance (1 of 4 stars; one submission).

Allele frequency attached by ClinVar (database versions not stated): gnomAD exomes below 0.00001; gnomAD 0.00001.
gnomAD v4.1: 3 of 1,614,036 alleles (0.00019%); highest among the groups gnomAD compares: African/African-American, 0.0013%; no homozygotes.

Submission:

Labcorp Genetics (formerly Invitae), Labcorp
Classification: Uncertain significance. Last evaluated: 2022-07-14. Review status: criteria provided, single submitter. Criteria: Invitae Variant Classification Sherloc (09022015). Collection method: clinical testing. Allele origin: germline.
Comment: This sequence change replaces aspartic acid, which is acidic and polar, with asparagine, which is neutral and polar, at codon 594 of the TUBGCP6 protein (p.Asp594Asn). This variant is present in population databases (no rsID available, gnomAD 0.003%). This variant has not been reported in the literature in individuals affected with TUBGCP6-related conditions. Algorithms developed to predict the effect of missense changes on protein structure and function are either unavailable or do not agree on the potential impact of this missense change (SIFT: "Deleterious"; PolyPhen-2: "Probably Damaging"; Align-GVGD: "Class C0"). In summary, the available evidence is currently insufficient to determine the role of this variant in disease. Therefore, it has been classified as a Variant of Uncertain Significance.

NM_020461.4(TUBGCP6):c.1780G>A (p.Asp594Asn)

Gene: TUBGCP6 (tubulin gamma complex component 6; minus strand). Cytogenetic location: 22q13.33.
Variant type: single nucleotide variant.
Coding change: c.1780G>A on transcript NM_020461.4 (MANE Select); coding-DNA position 1780, G replaced by A.
Protein change: p.Asp594Asn; replaces aspartic acid 594 with asparagine.
Molecular consequence: missense variant.
Genome position (GRCh38, 1-based): chr22:50,226,103, C>T on the plus strand (G>A on the coding strand, the complement: TUBGCP6 is on the minus strand). VCF-style: chr22-50226103-C-T. GRCh37 (hg19) VCF-style: chr22-50664532-C-T.
Other names: short protein forms D594N.
Identifiers: ClinVar variation 2016892 (VCV002016892.4), dbSNP rs1392049164, ClinGen allele CA412105281.